The following is an entry in ClinVar:

NM_000548.5(TSC2):c.429C>G (p.Phe143Leu)

Gene: TSC2 (TSC complex subunit 2; plus strand). Cytogenetic location: 16p13.3.
Variant type: single nucleotide variant.
Coding change: c.429C>G on transcript NM_000548.5 (MANE Select); coding-DNA position 429, C replaced by G.
Protein change: p.Phe143Leu; replaces phenylalanine 143 with leucine.
Molecular consequence: missense variant. On other transcripts: intron variant (1).
Genome position (GRCh38, 1-based): chr16:2,054,388, C>G. VCF-style: chr16-2054388-C-G. GRCh37 (hg19) VCF-style: chr16-2104389-C-G.
Other names: c.429C>G, p.Phe143Leu (NM_001077183.3, NM_001114382.3, NM_001363528.2 and 3 more transcripts); c.318C>G, p.Phe106Leu (NM_001318827.2); c.282C>G, p.Phe94Leu (NM_001318829.2); c.462C>G, p.Phe154Leu (NM_001318832.2); c.-1-1808C>G (NM_001318831.2); short protein forms F143L, F106L, F154L, F94L.
Identifiers: ClinVar variation 49898 (VCV000049898.21), dbSNP rs137854406, ClinGen allele CA020223.

ClinVar aggregate classification (germline): Conflicting classifications of pathogenicity. Review status: criteria provided, conflicting classifications (1 of 4 stars). 8 submissions from 8 submitters: Uncertain significance (3); Likely benign (4). 1 of the submissions does not count toward it. Last evaluated 2026-02-03.

Conditions:
Hereditary cancer-predisposing syndrome. Also called: Neoplastic Syndromes, Hereditary; Tumor predisposition; Hereditary Cancer Syndrome; Hereditary neoplastic syndrome. Identifiers: Orphanet 140162, MedGen C0027672, MeSH D009386, MONDO:0015356.
Tuberous sclerosis 2 (TSC2). Identifiers: Orphanet 805, MedGen C1860707, MONDO:0013199, OMIM 613254.
Tuberous sclerosis syndrome (TSC). Also called: Tuberous Sclerosis Complex; Tuberous sclerosis. Identifiers: Orphanet 805, MedGen C0041341, MONDO:0001734.

Allele frequency attached by ClinVar (database versions not stated): TOPMed 0.00002; gnomAD 0.00003.
gnomAD v4.1: 31 of 1,614,122 alleles (0.0019%); highest among the groups gnomAD compares: Non-Finnish European, 0.0022%; no homozygotes.

Submissions (8):

Labcorp Genetics (formerly Invitae), Labcorp
Classification: Likely benign for Tuberous sclerosis 2. Last evaluated: 2026-02-03. Review status: criteria provided, single submitter. Criteria: Invitae Variant Classification Sherloc (09022015). Collection method: clinical testing. Allele origin: germline.

Color Diagnostics, LLC DBA Color Health
Classification: Uncertain significance for Tuberous sclerosis syndrome. Last evaluated: 2024-03-04. Review status: criteria provided, single submitter. Criteria: ACMG Guidelines, 2015. Collection method: clinical testing. Allele origin: germline.
Comment: This missense variant replaces phenylalanine with leucine at codon 143 of the TSC2 protein. Computational prediction suggests that this variant may not impact protein structure and function. Functional studies have shown that this variant demonstrated no effect on TSC1 or TSC2 protein abundance, or on TSC1-TSC2 dependent inhibition of mTORC1 activity (PMID: 18302728, 21309039). This variant has been reported to occur with two other variants in TSC2 in individuals affected with tuberous sclerosis complex (PMID: 18302728). This variant has not been identified in the general population by the Genome Aggregation Database (gnomAD). The available evidence is insufficient to determine the role of this variant in disease conclusively. Therefore, this variant is classified as a Variant of Uncertain Significance.

Centre of Medical Genetics, University Hospital Muenster
Classification: Uncertain significance. Last evaluated: 2021-12-10. Review status: criteria provided, single submitter. Criteria: ACMG Guidelines, 2015. Collection method: clinical testing. Allele origin: unknown. Affected: yes. Observed: 1 variant allele, 1 heterozygote.
Comment: ACMG categories: PM1,PM2,BP1

Genome-Nilou Lab
Classification: Likely benign for Tuberous sclerosis 2. Last evaluated: 2021-11-07. Review status: criteria provided, single submitter. Criteria: ACMG Guidelines, 2015. Collection method: clinical testing. Allele origin: germline. Affected: no.

Ambry Genetics
Classification: Likely benign for Hereditary cancer-predisposing syndrome. Last evaluated: 2020-06-09. Review status: criteria provided, single submitter. Criteria: Ambry Variant Classification Scheme 2023. Collection method: clinical testing. Allele origin: germline.

Laboratory for Molecular Medicine, Mass General Brigham Personalized Medicine
Classification: Uncertain significance. Last evaluated: 2016-03-28. Review status: criteria provided, single submitter. Criteria: LMM Criteria. Collection method: clinical testing. Allele origin: germline.
Comment: Variant identified in a genome or exome case(s) and assessed due to predicted null impact of the variant or pathogenic assertions in the literature or databases. Disclaimer: This variant has not undergone full assessment. The following are preliminary notes: Functional studies do not suggest impact to protein; Absent from ExAC

GeneDx
Classification: Likely benign. Last evaluated: 2015-08-03. Review status: criteria provided, single submitter. Criteria: GeneDx Variant Classification (06012015). Collection method: clinical testing. Allele origin: germline. Affected: yes.
Comment: This variant is considered likely benign or benign based on one or more of the following criteria: it is a conservative change, it occurs at a poorly conserved position in the protein, it is predicted to be benign by multiple in silico algorithms, and/or has population frequency not consistent with disease.

Tuberous sclerosis database (TSC2)
No classification provided. Condition: TSC. Review status: no classification provided. Criteria: Tuberous Sclerosis Database Assertion Criteria 2015. Collection method: curation. Allele origin: germline. Affected: yes. Not counted in ClinVar's aggregate classification.

Literature cited by the submitters: PubMed 18302728 (cited by Color Diagnostics, LLC DBA Color Health); PubMed 21309039 (cited by Color Diagnostics, LLC DBA Color Health).